The following is an entry in ClinVar:

ClinVar aggregate classification (germline): Uncertain significance (1 of 4 stars; one submission).

Conditions:
Methylmalonic acidemia with homocystinuria, type cblX (MAHCX). Also called: INTELLECTUAL DEVELOPMENTAL DISORDER, X-LINKED 3. Identifiers: Orphanet 369962, MedGen C0796208, MONDO:0010657, OMIM 309541.

Allele frequency attached by ClinVar (database versions not stated): gnomAD exomes below 0.00001.
gnomAD v4.1: 2 of 1,207,100 alleles (0.00017%); highest among the groups gnomAD compares: Non-Finnish European, 0.00022%; no homozygotes.

Submission:

Labcorp Genetics (formerly Invitae), Labcorp
Classification: Uncertain significance for Methylmalonic acidemia with homocystinuria, type cblX. Last evaluated: 2022-09-04. Review status: criteria provided, single submitter. Criteria: Invitae Variant Classification Sherloc (09022015). Collection method: clinical testing. Allele origin: germline.
Comment: This variant has not been reported in the literature in individuals affected with HCFC1-related conditions. In summary, the available evidence is currently insufficient to determine the role of this variant in disease. Therefore, it has been classified as a Variant of Uncertain Significance. Algorithms developed to predict the effect of missense changes on protein structure and function are either unavailable or do not agree on the potential impact of this missense change (SIFT: "Tolerated"; PolyPhen-2: "Probably Damaging"; Align-GVGD: "Class C0"). This variant is not present in population databases (gnomAD no frequency). This sequence change replaces alanine, which is neutral and non-polar, with threonine, which is neutral and polar, at codon 2032 of the HCFC1 protein (p.Ala2032Thr).

NM_005334.3(HCFC1):c.6094G>A (p.Ala2032Thr)

Gene: HCFC1 (host cell factor C1; minus strand). Cytogenetic location: Xq28.
Variant type: single nucleotide variant.
Coding change: c.6094G>A on transcript NM_005334.3 (MANE Select); coding-DNA position 6094, G replaced by A.
Protein change: p.Ala2032Thr; replaces alanine 2032 with threonine.
Molecular consequence: missense variant.
Genome position (GRCh38, 1-based): chrX:153,949,361, C>T on the plus strand (G>A on the coding strand, the complement: HCFC1 is on the minus strand). VCF-style: chrX-153949361-C-T. GRCh37 (hg19) VCF-style: chrX-153214812-C-T.
Other names: c.6229G>A, p.Ala2077Thr (NM_001410705.1); short protein forms A2032T, A2077T.
Identifiers: ClinVar variation 1909671 (VCV001909671.5), dbSNP rs2521426705, ClinGen allele CA415101729.